The following is an entry in ClinVar:

NM_182914.3(SYNE2):c.7617G>T (p.Leu2539Phe)

Gene: SYNE2 (spectrin repeat containing nuclear envelope protein 2; plus strand). Cytogenetic location: 14q23.2.
Variant type: single nucleotide variant.
Coding change: c.7617G>T on transcript NM_182914.3 (MANE Select); coding-DNA position 7617, G replaced by T.
Protein change: p.Leu2539Phe; replaces leucine 2539 with phenylalanine.
Molecular consequence: missense variant.
Genome position (GRCh38, 1-based): chr14:64,049,850, G>T. VCF-style: chr14-64049850-G-T. GRCh37 (hg19) VCF-style: chr14-64516568-G-T.
Other names: c.7617G>T, p.Leu2539Phe (NM_015180.6); c.7617G>T (NM_182914.2); short protein forms L2539F.
Identifiers: ClinVar variation 1406098 (VCV001406098.10), dbSNP rs200359168, ClinGen allele CA7220972.

ClinVar aggregate classification (germline): Uncertain significance. Review status: criteria provided, multiple submitters, no conflicts (2 of 4 stars). 2 submissions from 2 submitters: Uncertain significance (2). Last evaluated 2025-08-14.

Conditions:
Emery-Dreifuss muscular dystrophy 5, autosomal dominant (EDMD5). Also called: EMERY-DREIFUSS MUSCULAR DYSTROPHY 5. Identifiers: Orphanet 261, MedGen C2751805, MONDO:0013072, OMIM 612999.

Allele frequency attached by ClinVar (database versions not stated): 1000 Genomes Project 30x 0.00016; 1000 Genomes Project 0.00020.
gnomAD v4.1: 47 of 1,614,088 alleles (0.0029%); highest among the groups gnomAD compares: Admixed American, 0.017%; no homozygotes.

Submissions (2):

Ambry Genetics
Classification: Uncertain significance. Last evaluated: 2025-08-14. Review status: criteria provided, single submitter. Criteria: Ambry Variant Classification Scheme 2023. Collection method: clinical testing. Allele origin: germline.

Labcorp Genetics (formerly Invitae), Labcorp
Classification: Uncertain significance for Emery-Dreifuss muscular dystrophy 5, autosomal dominant. Last evaluated: 2025-06-29. Review status: criteria provided, single submitter. Criteria: Invitae Variant Classification Sherloc (09022015). Collection method: clinical testing. Allele origin: germline.
Comment: This sequence change replaces leucine, which is neutral and non-polar, with phenylalanine, which is neutral and non-polar, at codon 2539 of the SYNE2 protein (p.Leu2539Phe). This variant is present in population databases (rs200359168, gnomAD 0.01%). This variant has not been reported in the literature in individuals affected with SYNE2-related conditions. ClinVar contains an entry for this variant (Variation ID: 1406098). An algorithm developed to predict the effect of missense changes on protein structure and function outputs the following: PolyPhen-2: "Benign". The phenylalanine amino acid residue is found in multiple mammalian species, which suggests that this missense change does not adversely affect protein function. In summary, the available evidence is currently insufficient to determine the role of this variant in disease. Therefore, it has been classified as a Variant of Uncertain Significance.